The following is an entry in ClinVar:

ClinVar aggregate classification (germline): Uncertain significance (1 of 4 stars; one submission).

Allele frequency attached by ClinVar (database versions not stated): ExAC 0.00002.
gnomAD v4.1: 9 of 1,614,072 alleles (0.00056%); highest among the groups gnomAD compares: Admixed American, 0.0033%; 1 homozygote.

Submission:

Labcorp Genetics (formerly Invitae), Labcorp
Classification: Uncertain significance. Last evaluated: 2023-12-06. Review status: criteria provided, single submitter. Criteria: Invitae Variant Classification Sherloc (09022015). Collection method: clinical testing. Allele origin: germline.
Comment: This sequence change replaces glycine, which is neutral and non-polar, with arginine, which is basic and polar, at codon 2817 of the SZT2 protein (p.Gly2817Arg). This variant is present in population databases (rs745942076, gnomAD 0.003%). This variant has not been reported in the literature in individuals affected with SZT2-related conditions. ClinVar contains an entry for this variant (Variation ID: 1428045). Advanced modeling of protein sequence and biophysical properties (such as structural, functional, and spatial information, amino acid conservation, physicochemical variation, residue mobility, and thermodynamic stability) has been performed at Invitae for this missense variant, however the output from this modeling did not meet the statistical confidence thresholds required to predict the impact of this variant on SZT2 protein function. In summary, the available evidence is currently insufficient to determine the role of this variant in disease. Therefore, it has been classified as a Variant of Uncertain Significance.

NM_001365999.1(SZT2):c.8620G>A (p.Gly2874Arg)

Gene: SZT2 (SZT2 subunit of KICSTOR complex; plus strand). Cytogenetic location: 1p34.2.
Variant type: single nucleotide variant.
Coding change: c.8620G>A on transcript NM_001365999.1 (MANE Select); coding-DNA position 8620, G replaced by A.
Protein change: p.Gly2874Arg; replaces glycine 2874 with arginine.
Molecular consequence: missense variant.
Genome position (GRCh38, 1-based): chr1:43,443,472, G>A. VCF-style: chr1-43443472-G-A. GRCh37 (hg19) VCF-style: chr1-43909143-G-A.
Other names: c.8449G>A, p.Gly2817Arg (NM_015284.4); short protein forms G2817R, G2874R.
Identifiers: ClinVar variation 1428045 (VCV001428045.8), dbSNP rs745942076, ClinGen allele CA810614.